The following is an entry in ClinVar:

NM_000179.3(MSH6):c.2131C>G (p.Pro711Ala)

Gene: MSH6 (mutS homolog 6; plus strand). Cytogenetic location: 2p16.3.
Variant type: single nucleotide variant.
Coding change: c.2131C>G on transcript NM_000179.3 (MANE Select); coding-DNA position 2131, C replaced by G.
Protein change: p.Pro711Ala; replaces proline 711 with alanine.
Molecular consequence: missense variant. On other transcripts: non-coding transcript variant (5), intron variant (2).
Genome position (GRCh38, 1-based): chr2:47,800,114, C>G. VCF-style: chr2-47800114-C-G. GRCh37 (hg19) VCF-style: chr2-48027253-C-G.
Other names: c.1741C>G, p.Pro581Ala (NM_001281492.2); c.1225C>G, p.Pro409Ala (NM_001281493.2, NM_001281494.2, NM_001406811.1 and 6 more transcripts); c.2227C>G, p.Pro743Ala (NM_001406795.1, NM_001406802.1); c.2131C>G, p.Pro711Ala (NM_001406796.1, NM_001406798.1, NM_001406800.1 and 3 more transcripts); c.1834C>G, p.Pro612Ala (NM_001406797.1, NM_001406801.1, NM_001406805.1 and 10 more transcripts); c.1606C>G, p.Pro536Ala (NM_001406799.1, NM_001406806.1, NM_001406807.1); c.2053C>G, p.Pro685Ala (NM_001406804.1); c.2137C>G, p.Pro713Ala (NM_001406813.1); and 3 more; short protein forms P409A, P536A, P581A, P612A, P655A, P685A, P711A, P713A.
Identifiers: ClinVar variation 3069793 (VCV003069793.1), dbSNP rs878853714, ClinGen allele CA346751036.
Genomic context (GRCh38, chr2:47,800,114, plus strand): 5'-CTCAAAAAATGCCTTATTGATCAGGAGCTTTTATCAATGGCTAATTTTGAAGAATATATT[C>G]CCTTGGATTCTGACACAGTCAGCACTACAAGATCTGGTGCTATCTTCACCAAAGCCTATC-3'
Protein context (NP_000170.1, residues 701-721): LSMANFEEYI[Pro711Ala]LDSDTVSTTR

ClinVar aggregate classification (germline): Uncertain significance (1 of 4 stars; one submission).

Conditions:
Lynch syndrome. Identifiers: Orphanet 144, MedGen C4552100, MONDO:0005835. Disease mechanism: loss of function.

Submission:

All of Us Research Program, National Institutes of Health
Classification: Uncertain significance for Lynch syndrome. Last evaluated: 2023-03-09. Review status: criteria provided, single submitter. Criteria: ACMG Guidelines, 2015. Collection method: clinical testing. Allele origin: germline. Inheritance: Autosomal dominant inheritance. Observed: 1 variant allele, 1 heterozygote.
Comment: This missense variant replaces proline with alanine at codon 711 of the MSH6 protein. Computational prediction is inconclusive regarding the impact of this variant on protein structure and function (internally defined REVEL score threshold 0.5 < inconclusive < 0.7, PMID: 27666373). To our knowledge, functional studies have not been reported for this variant. This variant has not been reported in individuals affected with MSH6-related disorders in the literature. This variant has not been identified in the general population by the Genome Aggregation Database (gnomAD). The available evidence is insufficient to determine the role of this variant in disease conclusively. Therefore, this variant is classified as a Variant of Uncertain Significance.

This study involves interpretation of variants in research participants for the purpose of population health screening. Participant phenotype was not available at the time of variant classification. Additional details can be found in publication PMID: 35346344, PMCID: PMC8962531